The following is an entry in ClinVar:

ClinVar aggregate classification (germline): Uncertain significance (1 of 4 stars; one submission).

Conditions:
Muscular dystrophy-dystroglycanopathy (congenital with brain and eye anomalies), type a, 8 (MDDGA8). Also called: WALKER-WARBURG SYNDROME OR MUSCLE-EYE-BRAIN DISEASE, GTDC2-RELATED. Identifiers: Orphanet 899, MedGen C3553813, MONDO:0013904, OMIM 614830.

Submission:

Labcorp Genetics (formerly Invitae), Labcorp
Classification: Uncertain significance for Muscular dystrophy-dystroglycanopathy (congenital with brain and eye anomalies), type a, 8. Last evaluated: 2022-03-18. Review status: criteria provided, single submitter. Criteria: Invitae Variant Classification Sherloc (09022015). Collection method: clinical testing. Allele origin: germline.
Comment: This variant, c.1704_1706del, results in the deletion of 1 amino acid(s) of the POMGNT2 protein (p.Leu569del), but otherwise preserves the integrity of the reading frame. This variant is not present in population databases (gnomAD no frequency). This variant has not been reported in the literature in individuals affected with POMGNT2-related conditions. Experimental studies and prediction algorithms are not available or were not evaluated, and the functional significance of this variant is currently unknown. In summary, the available evidence is currently insufficient to determine the role of this variant in disease. Therefore, it has been classified as a Variant of Uncertain Significance.

NM_032806.6(POMGNT2):c.1701CCT[1] (p.Leu569del)

Gene: POMGNT2 (protein O-linked mannose N-acetylglucosaminyltransferase 2 (beta 1,4-); minus strand). Cytogenetic location: 3p22.1.
Variant type: Microsatellite.
Coding change: c.1701CCT[1] on transcript NM_032806.6 (MANE Select); one copy of the 3-base unit CCT starting at c.1701; the reference has two copies in a row; one copy, 3 bases deleted.
Protein change: p.Leu569del; deletes leucine 569.
Molecular consequence: inframe deletion.
Genome position (GRCh38, 1-based): chr3:43,079,726-43,079,728, AGG deleted on the plus strand (CCT on the coding strand, the reverse complement: POMGNT2 is on the minus strand); deleting any 3 consecutive bases within chr3:43,079,726-43,079,732 gives the same sequence; the position shown is the placement nearest the transcript's 3' end. VCF-style (leftmost placement, unchanged base first): chr3-43079725-CAGG-C. GRCh37 (hg19) VCF-style: chr3-43121217-CAGG-C.
Other names: short protein forms L569del.
Identifiers: ClinVar variation 1059022 (VCV001059022.5), dbSNP rs2089828622, ClinGen allele CA1360628315.